The following is an entry in ClinVar:

NM_020631.6(PLEKHG5):c.10G>A (p.Asp4Asn)

Genes: PLEKHG5 (pleckstrin homology and RhoGEF domain containing G5; minus strand), LOC126805598 (MED14-independent group 3 enhancer GRCh37_chr1:6536823-6538022; plus strand). Cytogenetic location: 1p36.31.
Variant type: single nucleotide variant.
Coding change: c.10G>A on transcript NM_020631.6 (MANE Select); coding-DNA position 10, G replaced by A.
Protein change: p.Asp4Asn; replaces aspartic acid 4 with asparagine.
Molecular consequence: missense variant.
Genome position (GRCh38, 1-based): chr1:6,477,562, C>T on the plus strand (G>A on the coding strand, the complement: PLEKHG5 is on the minus strand). VCF-style: chr1-6477562-C-T. GRCh37 (hg19) VCF-style: chr1-6537622-C-T.
Other names: c.121G>A, p.Asp41Asn (NM_001042663.3, NM_001265592.2); c.10G>A, p.Asp4Asn (NM_001042664.2, NM_001042665.2, NM_001265594.3 and 1 more transcripts); c.217G>A, p.Asp73Asn (NM_001265593.2); short protein forms D41N, D73N, D4N.
Identifiers: ClinVar variation 1444886 (VCV001444886.7), dbSNP rs372434052, ClinGen allele CA562049.

ClinVar aggregate classification (germline): Uncertain significance. Review status: criteria provided, multiple submitters, no conflicts (2 of 4 stars). 2 submissions from 2 submitters: Uncertain significance (2). Last evaluated 2022-01-07.

Conditions:
Neuronopathy, distal hereditary motor, autosomal recessive 4. Also called: Autosomal recessive lower motor neuron disease with childhood onset; NEUROPATHY, DISTAL HEREDITARY MOTOR, AUTOSOMAL RECESSIVE 4. Identifiers: Orphanet 206580, MedGen C1970211, MONDO:0012608, OMIM 611067.
Charcot-Marie-Tooth disease recessive intermediate C. Also called: CHARCOT-MARIE-TOOTH NEUROPATHY, RECESSIVE INTERMEDIATE C. Identifiers: Orphanet 369867, MedGen C3809309, MONDO:0014154, OMIM 615376.
Inborn genetic diseases. Identifiers: MedGen C0950123, MeSH D030342.

Allele frequency attached by ClinVar (database versions not stated): gnomAD 0.00001; ExAC 0.00002; gnomAD exomes 0.00002; ESP Exome Variant Server 0.00008.
gnomAD v4.1: 35 of 1,612,544 alleles (0.0022%); highest among the groups gnomAD compares: South Asian, 0.0077%; no homozygotes.

Submissions (2):

Ambry Genetics
Classification: Uncertain significance for Inborn genetic diseases. Last evaluated: 2022-01-07. Review status: criteria provided, single submitter. Criteria: Ambry Variant Classification Scheme 2023. Collection method: clinical testing. Allele origin: germline.
Comment: The p.D4N variant (also known as c.10G>A), located in coding exon 1 of the PLEKHG5 gene, results from a G to A substitution at nucleotide position 10. The aspartic acid at codon 4 is replaced by asparagine, an amino acid with highly similar properties. This amino acid position is highly conserved in available vertebrate species. In addition, this alteration is predicted to be tolerated by in silico analysis. Since supporting evidence is limited at this time, the clinical significance of this alteration remains unclear.

Labcorp Genetics (formerly Invitae), Labcorp
Classification: Uncertain significance for Neuronopathy, distal hereditary motor, autosomal recessive 4; Charcot-Marie-Tooth disease recessive intermediate C. Last evaluated: 2021-08-27. Review status: criteria provided, single submitter. Criteria: Invitae Variant Classification Sherloc (09022015). Collection method: clinical testing. Allele origin: germline.
Comment: This sequence change replaces aspartic acid with asparagine at codon 4 of the PLEKHG5 protein (p.Asp4Asn). The aspartic acid residue is moderately conserved and there is a small physicochemical difference between aspartic acid and asparagine. This variant is present in population databases (rs372434052, ExAC 0.01%). This variant has not been reported in the literature in individuals affected with PLEKHG5-related conditions. Algorithms developed to predict the effect of missense changes on protein structure and function are either unavailable or do not agree on the potential impact of this missense change (SIFT: "Tolerated"; PolyPhen-2: "Probably Damaging"; Align-GVGD: "Class C0"). In summary, the available evidence is currently insufficient to determine the role of this variant in disease. Therefore, it has been classified as a Variant of Uncertain Significance.